The following is an entry in ClinVar:

NM_003118.4(SPARC):c.826G>A (p.Asp276Asn)

Genes: SPARC (secreted protein acidic and cysteine rich; minus strand), LOC126807556 (MED14-independent group 3 enhancer GRCh37_chr5:151042798-151043997; plus strand). Cytogenetic location: 5q33.1.
Variant type: single nucleotide variant.
Coding change: c.826G>A on transcript NM_003118.4 (MANE Select); coding-DNA position 826, G replaced by A.
Protein change: p.Asp276Asn; replaces aspartic acid 276 with asparagine.
Molecular consequence: missense variant.
Genome position (GRCh38, 1-based): chr5:151,664,144, C>T on the plus strand (G>A on the coding strand, the complement: SPARC is on the minus strand). VCF-style: chr5-151664144-C-T. GRCh37 (hg19) VCF-style: chr5-151043705-C-T.
Other names: c.823G>A, p.Asp275Asn (NM_001309443.2); c.826G>A, p.Asp276Asn (NM_001309444.2); c.826G>A (NM_003118.2); short protein forms D276N, D275N.
Identifiers: ClinVar variation 1346295 (VCV001346295.4), dbSNP rs755900429, ClinGen allele CA3522562.

ClinVar aggregate classification (germline): Uncertain significance. Review status: criteria provided, multiple submitters, no conflicts (2 of 4 stars). 2 submissions from 2 submitters: Uncertain significance (2). Last evaluated 2024-11-26.

Conditions:
Inborn genetic diseases. Identifiers: MedGen C0950123, MeSH D030342.

Allele frequency attached by ClinVar (database versions not stated): gnomAD 0.00003 and 0.00004; TOPMed 0.00003.
gnomAD v4.1: 21 of 1,614,086 alleles (0.0013%); highest among the groups gnomAD compares: Admixed American, 0.03%; no homozygotes.

Submissions (2):

Ambry Genetics
Classification: Uncertain significance for Inborn genetic diseases. Last evaluated: 2024-11-26. Review status: criteria provided, single submitter. Criteria: Ambry Variant Classification Scheme 2023. Collection method: clinical testing. Allele origin: germline.

Labcorp Genetics (formerly Invitae), Labcorp
Classification: Uncertain significance. Last evaluated: 2021-09-19. Review status: criteria provided, single submitter. Criteria: Invitae Variant Classification Sherloc (09022015). Collection method: clinical testing. Allele origin: germline.
Comment: This sequence change replaces aspartic acid with asparagine at codon 276 of the SPARC protein (p.Asp276Asn). The aspartic acid residue is highly conserved and there is a small physicochemical difference between aspartic acid and asparagine. This variant is present in population databases (rs755900429, ExAC 0.03%). This variant has not been reported in the literature in individuals affected with SPARC-related conditions. Algorithms developed to predict the effect of missense changes on protein structure and function are either unavailable or do not agree on the potential impact of this missense change (SIFT: "Tolerated"; PolyPhen-2: "Probably Damaging"; Align-GVGD: "Class C0"). In summary, the available evidence is currently insufficient to determine the role of this variant in disease. Therefore, it has been classified as a Variant of Uncertain Significance.